The following is an entry in ClinVar:

NM_022100.3(MRPS14):c.351T>C (p.His117=)

Gene: MRPS14 (mitochondrial ribosomal protein S14; minus strand). Cytogenetic location: 1q25.1.
Variant type: single nucleotide variant.
Coding change: c.351T>C on transcript NM_022100.3 (MANE Select); coding-DNA position 351, T replaced by C.
Protein change: p.His117=; no amino-acid change (histidine 117 retained).
Molecular consequence: synonymous variant. On other transcripts: non-coding transcript variant (1).
Genome position (GRCh38, 1-based): chr1:175,014,705, A>G on the plus strand (T>C on the coding strand, the complement: MRPS14 is on the minus strand). VCF-style: chr1-175014705-A-G. GRCh37 (hg19) VCF-style: chr1-174983841-A-G.
Other names: c.351T>C (NM_022100.2).
Identifiers: ClinVar variation 1176521 (VCV001176521.44), dbSNP rs36081614, ClinGen allele CA1253620.

ClinVar aggregate classification (germline): Benign/Likely benign. Review status: criteria provided, multiple submitters, no conflicts (2 of 4 stars). 4 submissions from 4 submitters: Benign (2); Likely benign (1). 1 of the submissions does not count toward it. Last evaluated 2026-09-01.

Conditions:
MRPS14-related disorder. Also called: MRPS14-related condition.

Allele frequency attached by ClinVar (database versions not stated): 1000 Genomes Project 30x 0.00437; 1000 Genomes Project 0.00459; TOPMed 0.00508; ESP Exome Variant Server 0.00615; gnomAD 0.00695 and 0.00708; ExAC 0.00713; gnomAD exomes 0.00782 and 0.00802.

Submissions (4):

CeGaT Center for Human Genetics Tuebingen
Classification: Likely benign. Last evaluated: 2026-09-01. Review status: criteria provided, single submitter. Criteria: CeGaT Center For Human Genetics Tuebingen Variant Classification Criteria Version 2. Collection method: clinical testing. Allele origin: germline. Affected: yes. Observed: 12 variant alleles.
Comment: MRPS14: BP4, BP7, BS2

Labcorp Genetics (formerly Invitae), Labcorp
Classification: Benign. Last evaluated: 2026-01-05. Review status: criteria provided, single submitter. Criteria: Invitae Variant Classification Sherloc (09022015). Collection method: clinical testing. Allele origin: germline.

Breakthrough Genomics
Classification: Benign. Review status: criteria provided, single submitter. Criteria: ACMG Guidelines, 2015. Collection method: not provided. Allele origin: germline. Inheritance: Autosomal recessive inheritance. Affected: yes.

PreventionGenetics, part of Exact Sciences
Classification: Benign for MRPS14-related condition. Last evaluated: 2020-02-19. Review status: no assertion criteria provided. Collection method: clinical testing. Allele origin: germline. Not counted in ClinVar's aggregate classification.
Comment: This variant is classified as benign based on ACMG/AMP sequence variant interpretation guidelines (Richards et al. 2015 PMID: 25741868, with internal and published modifications).